The following is an entry in ClinVar:

NM_001378454.1(ALMS1):c.1202A>G (p.Glu401Gly)

Gene: ALMS1 (ALMS1 centrosome and basal body associated protein; plus strand). Cytogenetic location: 2p13.1.
Variant type: single nucleotide variant.
Coding change: c.1202A>G on transcript NM_001378454.1 (MANE Select); coding-DNA position 1202, A replaced by G.
Protein change: p.Glu401Gly; replaces glutamic acid 401 with glycine.
Molecular consequence: missense variant.
Genome position (GRCh38, 1-based): chr2:73,424,867, A>G. VCF-style: chr2-73424867-A-G. GRCh37 (hg19) VCF-style: chr2-73651995-A-G.
Other names: c.1205A>G, p.Glu402Gly (NM_015120.4); short protein forms E402G, E401G.
Identifiers: ClinVar variation 2910508 (VCV002910508.3), dbSNP rs1312620971, ClinGen allele CA347261716.

ClinVar aggregate classification (germline): Uncertain significance (1 of 4 stars; one submission).

Conditions:
Alstrom syndrome (ALMS). Identifiers: Orphanet 64, MedGen C0268425, MONDO:0008763, OMIM 203800.

Allele frequency attached by ClinVar (database versions not stated): gnomAD 0.00001; TOPMed 0.00002.
gnomAD v4.1: 1 of 1,604,832 alleles (0.000062%); highest among the groups gnomAD compares: African/African-American, 0.0013%; no homozygotes.

Submission:

Labcorp Genetics (formerly Invitae), Labcorp
Classification: Uncertain significance for Alstrom syndrome. Last evaluated: 2024-11-12. Review status: criteria provided, single submitter. Criteria: Invitae Variant Classification Sherloc (09022015). Collection method: clinical testing. Allele origin: germline.
Comment: This sequence change replaces glutamic acid, which is acidic and polar, with glycine, which is neutral and non-polar, at codon 402 of the ALMS1 protein (p.Glu402Gly). This variant is not present in population databases (gnomAD no frequency). This variant has not been reported in the literature in individuals affected with ALMS1-related conditions. ClinVar contains an entry for this variant (Variation ID: 2910508). Experimental studies and prediction algorithms are not available or were not evaluated, and the functional significance of this variant is currently unknown. In summary, the available evidence is currently insufficient to determine the role of this variant in disease. Therefore, it has been classified as a Variant of Uncertain Significance.